The following is an entry in ClinVar:

NM_030630.3(HID1):c.81_82delinsA (p.Asp28fs)

Gene: HID1 (HID1 domain containing; minus strand). Cytogenetic location: 17q25.1.
Variant type: Indel.
Coding change: c.81_82delinsA on transcript NM_030630.3 (MANE Select); coding-DNA positions 81 to 82, CG replaced by A.
Protein change: p.Asp28fs; shifts the reading frame from aspartic acid 28.
Molecular consequence: frameshift variant.
Genome position (GRCh38, 1-based): chr17:74,964,617-74,964,618, CG replaced by T on the plus strand (CG replaced by A on the coding strand, the reverse complement: HID1 is on the minus strand). VCF-style: chr17-74964617-CG-T. GRCh37 (hg19) VCF-style: chr17-72960712-CG-T.
Other names: short protein forms D28fs.
Identifiers: ClinVar variation 1098407 (VCV001098407.2), dbSNP rs2144822115, ClinGen allele CA2499224924.

ClinVar aggregate classification (germline): Pathogenic (1 of 4 stars; one submission).

Submission:

Genetics Laboratory, UDIAT-Centre Diagnòstic, Hospital Universitari Parc Tauli
Classification: Pathogenic. Last evaluated: 2021-04-26. Review status: criteria provided, single submitter. Criteria: Parc Tauli Hospital Assertion Criteria 2021. Collection method: clinical testing. Allele origin: maternal. Inheritance: Autosomal recessive inheritance. Affected: yes. Observed: 1 compound heterozygote.
Comment: PVS1_very strong;PM2_supporting;PM3_moderate